The following is an entry in ClinVar:

NM_024589.3(ROGDI):c.5C>T (p.Ala2Val)

Gene: ROGDI (rogdi atypical leucine zipper; minus strand). Cytogenetic location: 16p13.3.
Variant type: single nucleotide variant.
Coding change: c.5C>T on transcript NM_024589.3 (MANE Select); coding-DNA position 5, C replaced by T.
Protein change: p.Ala2Val; replaces alanine 2 with valine.
Molecular consequence: missense variant. On other transcripts: non-coding transcript variant (1).
Genome position (GRCh38, 1-based): chr16:4,802,567, G>A on the plus strand (C>T on the coding strand, the complement: ROGDI is on the minus strand). VCF-style: chr16-4802567-G-A. GRCh37 (hg19) VCF-style: chr16-4852568-G-A.
Other names: short protein forms A2V.
Identifiers: ClinVar variation 1942634 (VCV001942634.5), dbSNP rs2082747617, ClinGen allele CA394656984.

ClinVar aggregate classification (germline): Uncertain significance (1 of 4 stars; one submission).

Conditions:
Amelocerebrohypohidrotic syndrome (KTZS). Also called: EPILEPSY AND YELLOW TEETH; EPILEPSY, DEMENTIA, AND AMELOGENESIS IMPERFECTA; KOHLSCHUTTER SYNDROME; Kohlschutter's syndrome. Identifiers: Orphanet 1946, MedGen C0406740, MONDO:0009185, OMIM 226750.

Allele frequency attached by ClinVar (database versions not stated): gnomAD exomes below 0.00001; gnomAD 0.00001.
gnomAD v4.1: 3 of 1,302,826 alleles (0.00023%); highest among the groups gnomAD compares: South Asian, 0.0021%; no homozygotes.

Submission:

Labcorp Genetics (formerly Invitae), Labcorp
Classification: Uncertain significance for Amelocerebrohypohidrotic syndrome. Last evaluated: 2025-01-06. Review status: criteria provided, single submitter. Criteria: Invitae Variant Classification Sherloc (09022015). Collection method: clinical testing. Allele origin: germline.
Comment: This sequence change replaces alanine, which is neutral and non-polar, with valine, which is neutral and non-polar, at codon 2 of the ROGDI protein (p.Ala2Val). This variant is not present in population databases (gnomAD no frequency). This variant has not been reported in the literature in individuals affected with ROGDI-related conditions. ClinVar contains an entry for this variant (Variation ID: 1942634). Experimental studies and prediction algorithms are not available or were not evaluated, and the functional significance of this variant is currently unknown. In summary, the available evidence is currently insufficient to determine the role of this variant in disease. Therefore, it has been classified as a Variant of Uncertain Significance.